The following is an entry in ClinVar:

ClinVar aggregate classification (germline): Pathogenic (1 of 4 stars; one submission).

Conditions:
Cataract 1 multiple types. Also called: CATARACT 1, MULTIPLE TYPES, WITH OR WITHOUT MICROCORNEA; CATARACT 1, NUCLEAR PROGRESSIVE; CATARACT 1 WITH MICROCORNEA; CATARACT 1, POSTERIOR SUBCAPSULAR, WITH MICROCORNEA; CATARACT 1, STELLATE NUCLEAR, WITH MICROCORNEA; CATARACT, DUFFY-LINKED. Identifiers: Orphanet 1377, MedGen C1861828, MONDO:0007285, OMIM 116200.

Submission:

Labcorp Genetics (formerly Invitae), Labcorp
Classification: Pathogenic for Cataract 1 multiple types. Last evaluated: 2023-05-05. Review status: criteria provided, single submitter. Criteria: Invitae Variant Classification Sherloc (09022015). Collection method: clinical testing. Allele origin: germline.
Comment: For these reasons, this variant has been classified as Pathogenic. This sequence change replaces tyrosine, which is neutral and polar, with cysteine, which is neutral and slightly polar, at codon 66 of the GJA8 protein (p.Tyr66Cys). This variant is not present in population databases (gnomAD no frequency). This missense change has been observed in individual(s) with autosomal dominant congenital cataracts (Invitae). It has also been observed to segregate with disease in related individuals. ClinVar contains an entry for this variant (Variation ID: 938578). Advanced modeling of protein sequence and biophysical properties (such as structural, functional, and spatial information, amino acid conservation, physicochemical variation, residue mobility, and thermodynamic stability) performed at Invitae indicates that this missense variant is expected to disrupt GJA8 protein function. This variant disrupts the p.Tyr66 amino acid residue in GJA8. Other variant(s) that disrupt this residue have been determined to be pathogenic (Invitae). This suggests that this residue is clinically significant, and that variants that disrupt this residue are likely to be disease-causing.

NM_005267.5(GJA8):c.197A>G (p.Tyr66Cys)

Gene: GJA8 (gap junction protein alpha 8; plus strand). Cytogenetic location: 1q21.2.
Variant type: single nucleotide variant.
Coding change: c.197A>G on transcript NM_005267.5 (MANE Select); coding-DNA position 197, A replaced by G.
Protein change: p.Tyr66Cys; replaces tyrosine 66 with cysteine.
Molecular consequence: missense variant.
Genome position (GRCh38, 1-based): chr1:147,908,152, A>G. VCF-style: chr1-147908152-A-G. GRCh37 (hg19) VCF-style: chr1-147380279-A-G.
Other names: short protein forms Y66C.
Identifiers: ClinVar variation 938578 (VCV000938578.9), dbSNP rs1651881222, ClinGen allele CA342223493.